The following is an entry in ClinVar:

NM_031892.3(SH3KBP1):c.1929A>C (p.Glu643Asp)

Gene: SH3KBP1 (SH3 domain containing kinase binding protein 1; minus strand). Cytogenetic location: Xp22.12.
Variant type: single nucleotide variant.
Coding change: c.1929A>C on transcript NM_031892.3 (MANE Select); coding-DNA position 1929, A replaced by C.
Protein change: p.Glu643Asp; replaces glutamic acid 643 with aspartic acid.
Molecular consequence: missense variant.
Genome position (GRCh38, 1-based): chrX:19,537,744, T>G on the plus strand (A>C on the coding strand, the complement: SH3KBP1 is on the minus strand). VCF-style: chrX-19537744-T-G. GRCh37 (hg19) VCF-style: chrX-19555862-T-G.
Other names: c.1818A>C, p.Glu606Asp (NM_001024666.3); c.1215A>C, p.Glu405Asp (NM_001184960.2); c.1800A>C, p.Glu600Asp (NM_001353890.2); c.2004A>C, p.Glu668Asp (NM_001353891.2); c.1875A>C, p.Glu625Asp (NM_001353892.2); c.1827A>C, p.Glu609Asp (NM_001353893.2); c.1698A>C, p.Glu566Asp (NM_001353894.2); c.1755A>C, p.Glu585Asp (NM_001353895.2); and 4 more; short protein forms E600D, E606D, E405D, E566D, E644D, E585D, E609D, E643D.
Identifiers: ClinVar variation 2835719 (VCV002835719.3), dbSNP rs777105719, ClinGen allele CA10364401.

ClinVar aggregate classification (germline): Uncertain significance (1 of 4 stars; one submission).

Allele frequency attached by ClinVar (database versions not stated): ExAC 0.00001.

Submission:

Labcorp Genetics (formerly Invitae), Labcorp
Classification: Uncertain significance. Last evaluated: 2023-02-09. Review status: criteria provided, single submitter. Criteria: Invitae Variant Classification Sherloc (09022015). Collection method: clinical testing. Allele origin: germline.
Comment: This sequence change replaces glutamic acid, which is acidic and polar, with aspartic acid, which is acidic and polar, at codon 643 of the SH3KBP1 protein (p.Glu643Asp). This variant is present in population databases (rs777105719, gnomAD 0.001%). This variant has not been reported in the literature in individuals affected with SH3KBP1-related conditions. Advanced modeling of protein sequence and biophysical properties (such as structural, functional, and spatial information, amino acid conservation, physicochemical variation, residue mobility, and thermodynamic stability) performed at Invitae indicates that this missense variant is not expected to disrupt SH3KBP1 protein function. In summary, the available evidence is currently insufficient to determine the role of this variant in disease. Therefore, it has been classified as a Variant of Uncertain Significance.